The following is an entry in ClinVar:

NM_001012759.3(CTU2):c.1097+1GT[4]

Gene: CTU2 (cytosolic thiouridylase subunit 2; plus strand). Cytogenetic location: 16q24.3.
Variant type: Microsatellite.
Coding change: c.1097+1GT[4] on transcript NM_001012759.3 (MANE Select); four copies in a row of the 2-base unit GT starting at c.1097+1.
Molecular consequence: splice donor variant.
Genome position: GRCh38 VCF-style: chr16-88714227-G-GGTGT. GRCh37 (hg19) VCF-style: chr16-88780635-G-GGTGT.
Other names: NM_001012759.1:c.1097+2_1097+5dupTGTG; c.1310+1GT[4] (NM_001318507.2); c.1097+1GT[4] (NM_001012762.3); c.836+1GT[4] (NM_001318513.2).
Identifiers: ClinVar variation 402575 (VCV000402575.15), dbSNP rs149847195, ClinGen allele CA8230774.

ClinVar aggregate classification (germline): Benign. Review status: criteria provided, multiple submitters, no conflicts (2 of 4 stars). 4 submissions from 4 submitters: Benign (4). Last evaluated 2026-02-01.

Submissions (4):

Labcorp Genetics (formerly Invitae), Labcorp
Classification: Benign. Last evaluated: 2026-02-01. Review status: criteria provided, single submitter. Criteria: Invitae Variant Classification Sherloc (09022015). Collection method: clinical testing. Allele origin: germline.

Laboratory of Genetics, Children's Clinical University Hospital Latvia
Classification: Benign. Last evaluated: 2025-02-16. Review status: criteria provided, single submitter. Criteria: ACMG Guidelines, 2015. Collection method: clinical testing. Allele origin: germline. Affected: yes.

GeneDx
Classification: Benign. Last evaluated: 2021-04-27. Review status: criteria provided, single submitter. Criteria: GeneDx Variant Classification Process June 2021. Collection method: clinical testing. Allele origin: germline. Affected: yes.

Laboratory for Molecular Medicine, Mass General Brigham Personalized Medicine
Classification: Benign. Last evaluated: 2016-03-28. Review status: criteria provided, single submitter. Criteria: LMM Criteria. Collection method: clinical testing. Allele origin: germline.
Comment: Variant identified in a genome or exome case(s) and assessed due to predicted null impact of the variant or pathogenic assertions in the literature or databases. Disclaimer: This variant has not undergone full assessment. The following are preliminary notes: Frequency (fails inbreeding coefficient filter)